The following is an entry in ClinVar:

NM_138694.4(PKHD1):c.3643A>T (p.Ser1215Cys)

Gene: PKHD1 (PKHD1 ciliary IPT domain containing fibrocystin/polyductin; minus strand). Cytogenetic location: 6p12.2.
Variant type: single nucleotide variant.
Coding change: c.3643A>T on transcript NM_138694.4 (MANE Select); coding-DNA position 3643, A replaced by T.
Protein change: p.Ser1215Cys; replaces serine 1215 with cysteine.
Molecular consequence: missense variant.
Genome position (GRCh38, 1-based): chr6:52,026,167, T>A on the plus strand (A>T on the coding strand, the complement: PKHD1 is on the minus strand). VCF-style: chr6-52026167-T-A. GRCh37 (hg19) VCF-style: chr6-51890965-T-A.
Other names: c.3643A>T, p.Ser1215Cys (NM_170724.3); c.3643A>T (NM_138694.3); short protein forms S1215C.
Identifiers: ClinVar variation 593214 (VCV000593214.8), dbSNP rs752105357, ClinGen allele CA3852869.

ClinVar aggregate classification (germline): Uncertain significance. Review status: criteria provided, multiple submitters, no conflicts (2 of 4 stars). 4 submissions from 4 submitters: Uncertain significance (4). Last evaluated 2026-06-05.

Conditions:
PKHD1-related disorder. Also called: PKHD1-related condition.
Autosomal recessive polycystic kidney disease (ARPKD). Also called: AR polycystic kidney disease. Identifiers: Orphanet 731, Orphanet 8378, MedGen C0085548, MeSH D017044, MONDO:0009889.
Inborn genetic diseases. Identifiers: MedGen C0950123, MeSH D030342.

Allele frequency attached by ClinVar (database versions not stated): gnomAD 0.00002 and 0.00003; gnomAD exomes 0.00002; TOPMed 0.00002; ExAC 0.00006.
gnomAD v4.1: 69 of 1,613,924 alleles (0.0043%); highest among the groups gnomAD compares: Middle Eastern, 0.016%; 1 homozygote.

Submissions (4):

PreventionGenetics, part of Exact Sciences
Classification: Uncertain significance for PKHD1-related condition. Last evaluated: 2026-06-05. Review status: criteria provided, single submitter. Criteria: ACMG Guidelines, 2015. Collection method: clinical testing. Allele origin: germline.
Comment: The PKHD1 c.3643A>T variant is predicted to result in the amino acid substitution p.Ser1215Cys. To our knowledge, this variant has not been reported in the literature. This variant is reported in 0.0057% of alleles in individuals of Latino descent in gnomAD. At this time, the clinical significance of this variant is uncertain due to the absence of conclusive functional and genetic evidence.

Ambry Genetics
Classification: Uncertain significance for Inborn genetic diseases. Last evaluated: 2025-02-07. Review status: criteria provided, single submitter. Criteria: Ambry Variant Classification Scheme 2023. Collection method: clinical testing. Allele origin: germline.

Labcorp Genetics (formerly Invitae), Labcorp
Classification: Uncertain significance for Autosomal recessive polycystic kidney disease. Last evaluated: 2022-03-17. Review status: criteria provided, single submitter. Criteria: Invitae Variant Classification Sherloc (09022015). Collection method: clinical testing. Allele origin: germline.
Comment: This sequence change replaces serine, which is neutral and polar, with cysteine, which is neutral and slightly polar, at codon 1215 of the PKHD1 protein (p.Ser1215Cys). This variant is present in population databases (rs752105357, gnomAD 0.006%). This variant has not been reported in the literature in individuals affected with PKHD1-related conditions. ClinVar contains an entry for this variant (Variation ID: 593214). Algorithms developed to predict the effect of missense changes on protein structure and function are either unavailable or do not agree on the potential impact of this missense change (SIFT: "Deleterious"; PolyPhen-2: "Probably Damaging"; Align-GVGD: "Class C0"). In summary, the available evidence is currently insufficient to determine the role of this variant in disease. Therefore, it has been classified as a Variant of Uncertain Significance.

Eurofins Ntd Llc (ga)
Classification: Uncertain significance. Last evaluated: 2017-07-11. Review status: criteria provided, single submitter. Criteria: EGL Classification Definitions 2015. Collection method: clinical testing. Allele origin: germline. Observed: 1 variant allele, 1 heterozygote.